The following is an entry in ClinVar:

NM_000143.4(FH):c.462T>G (p.Asn154Lys)

Gene: FH (fumarate hydratase; minus strand). Cytogenetic location: 1q43.
Variant type: single nucleotide variant.
Coding change: c.462T>G on transcript NM_000143.4 (MANE Select); coding-DNA position 462, T replaced by G.
Protein change: p.Asn154Lys; replaces asparagine 154 with lysine.
Molecular consequence: missense variant.
Genome position (GRCh38, 1-based): chr1:241,512,060, A>C on the plus strand (T>G on the coding strand, the complement: FH is on the minus strand). VCF-style: chr1-241512060-A-C. GRCh37 (hg19) VCF-style: chr1-241675360-A-C.
Other names: short protein forms N154K.
Identifiers: ClinVar variation 1487230 (VCV001487230.30), dbSNP rs2147921891, ClinGen allele CA345440049.

ClinVar aggregate classification (germline): Pathogenic/Likely pathogenic. Review status: criteria provided, multiple submitters, no conflicts (2 of 4 stars). 2 submissions from 2 submitters: Pathogenic (1); Likely pathogenic (1). Last evaluated 2025-01-14.

Submissions (2):

Labcorp Genetics (formerly Invitae), Labcorp
Classification: Pathogenic. Last evaluated: 2025-01-14. Review status: criteria provided, single submitter. Criteria: Invitae Variant Classification Sherloc (09022015). Collection method: clinical testing. Allele origin: germline.
Comment: This sequence change replaces asparagine, which is neutral and polar, with lysine, which is basic and polar, at codon 154 of the FH protein (p.Asn154Lys). This variant is not present in population databases (gnomAD no frequency). This missense change has been observed in individual(s) with autosomal dominant FH-related conditions (PMID: 32537760; internal data). ClinVar contains an entry for this variant (Variation ID: 1487230). Invitae Evidence Modeling of protein sequence and biophysical properties (such as structural, functional, and spatial information, amino acid conservation, physicochemical variation, residue mobility, and thermodynamic stability) indicates that this missense variant is expected to disrupt FH protein function with a positive predictive value of 95%. For these reasons, this variant has been classified as Pathogenic.

CeGaT Center for Human Genetics Tuebingen
Classification: Likely pathogenic. Last evaluated: 2023-09-01. Review status: criteria provided, single submitter. Criteria: CeGaT Center For Human Genetics Tuebingen Variant Classification Criteria Version 2. Collection method: clinical testing. Allele origin: germline. Affected: yes. Observed: 1 variant allele.
Comment: FH: PM1, PM2, PP4:Moderate, PP3

Literature cited by the submitters: PubMed 32537760 (cited by Labcorp Genetics (formerly Invitae), Labcorp).